The following is an entry in ClinVar:

ClinVar aggregate classification (germline): Pathogenic (1 of 4 stars; one submission).

Conditions:
Alstrom syndrome (ALMS). Identifiers: Orphanet 64, MedGen C0268425, MONDO:0008763, OMIM 203800.

Submission:

Labcorp Genetics (formerly Invitae), Labcorp
Classification: Pathogenic for Alstrom syndrome. Last evaluated: 2025-09-08. Review status: criteria provided, single submitter. Criteria: Invitae Variant Classification Sherloc (09022015). Collection method: clinical testing. Allele origin: germline.
Comment: This sequence change creates a premature translational stop signal (p.Gln736*) in the ALMS1 gene. It is expected to result in an absent or disrupted protein product. Loss-of-function variants in ALMS1 are known to be pathogenic (PMID: 17594715). This variant is not present in population databases (gnomAD no frequency). This variant has not been reported in the literature in individuals affected with ALMS1-related conditions. ClinVar contains an entry for this variant (Variation ID: 940433). For these reasons, this variant has been classified as Pathogenic.

Literature cited by the submitters: PubMed 17594715.

NM_001378454.1(ALMS1):c.2203C>T (p.Gln735Ter)

Gene: ALMS1 (ALMS1 centrosome and basal body associated protein; plus strand). Cytogenetic location: 2p13.1.
Variant type: single nucleotide variant.
Coding change: c.2203C>T on transcript NM_001378454.1 (MANE Select); coding-DNA position 2203, C replaced by T.
Protein change: p.Gln735Ter; replaces glutamine 735 with a stop codon.
Molecular consequence: nonsense.
Genome position (GRCh38, 1-based): chr2:73,448,730, C>T. VCF-style: chr2-73448730-C-T. GRCh37 (hg19) VCF-style: chr2-73675857-C-T.
Other names: c.2206C>T, p.Gln736Ter (NM_015120.4); short protein forms Q735*, Q736*.
Identifiers: ClinVar variation 940433 (VCV000940433.7), dbSNP rs757152182, ClinGen allele CA347267205.